The following is an entry in ClinVar:

ClinVar aggregate classification (germline): Pathogenic/Likely pathogenic. Review status: criteria provided, multiple submitters, no conflicts (2 of 4 stars). 6 submissions from 6 submitters: Pathogenic (2); Likely pathogenic (2). 2 of the submissions do not count toward it. Last evaluated 2026-02-26.

Conditions:
GRACILE syndrome (FLNMS). Also called: FELLMAN SYNDROME; FINNISH LETHAL NEONATAL METABOLIC SYNDROME. Identifiers: Orphanet 53693, MedGen C1864002, MONDO:0011308, OMIM 603358.
Pili torti-deafness syndrome (BJS). Also called: PILI TORTI AND NERVE DEAFNESS; Bjornstad syndrome. Identifiers: Orphanet 123, MedGen C0266006, MONDO:0009872, OMIM 262000.
Mitochondrial complex III deficiency nuclear type 1. Identifiers: Orphanet 254902, MedGen C3541471, MONDO:0007415, OMIM 124000.

Allele frequency attached by ClinVar (database versions not stated): gnomAD exomes 0.00001; ExAC 0.00002.
gnomAD v4.1: 6 of 1,614,162 alleles (0.00037%); highest among the groups gnomAD compares: Middle Eastern, 0.033%; no homozygotes.

Submissions (6):

GeneDx
Classification: Likely pathogenic. Last evaluated: 2026-02-26. Review status: criteria provided, single submitter. Criteria: GeneDx Variant Classification Process June 2021. Collection method: clinical testing. Allele origin: germline.
Comment: Nonsense variant predicted to result in protein truncation or nonsense mediated decay in a gene for which loss of function is a known mechanism of disease; Not observed at significant frequency in large population cohorts (gnomAD); Has not been previously published as pathogenic or benign to our knowledge; This variant is associated with the following publications: (PMID: 31589614)

Baylor Genetics
Classification: Likely pathogenic for Pili torti-deafness syndrome. Last evaluated: 2024-01-29. Review status: criteria provided, single submitter. Criteria: ACMG Guidelines, 2015. Collection method: clinical testing. Allele origin: unknown.

Labcorp Genetics (formerly Invitae), Labcorp
Classification: Pathogenic. Last evaluated: 2021-10-16. Review status: criteria provided, single submitter. Criteria: Invitae Variant Classification Sherloc (09022015). Collection method: clinical testing. Allele origin: germline.
Comment: This sequence change creates a premature translational stop signal (p.Arg117*) in the BCS1L gene. It is expected to result in an absent or disrupted protein product. Loss-of-function variants in BCS1L are known to be pathogenic (PMID: 17314340, 25895478). This variant is present in population databases (rs777735526, ExAC 0.003%). This variant has not been reported in the literature in individuals with BCS1L-related conditions. ClinVar contains an entry for this variant (Variation ID: 370387). For these reasons, this variant has been classified as Pathogenic.

Solve-RD Consortium
Classification: Pathogenic for Mitochondrial complex III deficiency nuclear type 1. Review status: criteria provided, single submitter. Criteria: ACMG Guidelines, 2015. Collection method: provider interpretation. Allele origin: germline. Inheritance: Autosomal recessive inheritance. Affected: yes. Study: Solve-RD DIFT-EpiCARE reanalysis.
Comment: PVS1, PM2, PM3

Variant identified during reanalysis of unsolved cases by the Solve-RD project. The Solve-RD project has received funding from the European Union’s Horizon 2020 research and innovation programme under grant agreement No 779257.

Counsyl
Classification: Likely pathogenic for GRACILE syndrome. Last evaluated: 2016-02-02. Review status: no assertion criteria provided. Collection method: clinical testing. Allele origin: unknown. Not counted in ClinVar's aggregate classification.

Department of Pathology and Laboratory Medicine, Sinai Health System
Classification: Likely pathogenic. Review status: no assertion criteria provided. Collection method: clinical testing. Allele origin: unknown. Affected: yes. Study: The Canadian Open Genetics Repository (COGR). Not counted in ClinVar's aggregate classification.
Comment: The BCS1L p.Arg117* variant was not identified in the literature nor was it identified in LOVD 3.0. The variant was identified in dbSNP (ID: rs777735526) and ClinVar (classified as likely pathogenic by Counsyl for GRACILE syndrome). The variant was identified in control databases in 3 of 251496 chromosomes at a frequency of 0.00001193 (Genome Aggregation Database March 6, 2019, v2.1.1). The variant was observed in the European (non-Finnish) population in 3 of 113770 chromosomes (freq: 0.000026), but was not observed in the African, Latino, Ashkenazi Jewish, East Asian, European (Finnish), Other or South Asian populations. The c.349C>T variant leads to a premature stop codon at position 117 which is predicted to lead to a truncated or absent protein and loss of function. Loss of function variants of the BCS1L gene are an established mechanism of disease in BCS1L-Related Disorders and are the type of variant expected to cause the disorder when found in the homozygous or compound heterozygous state. In summary, based on the above information the clinical significance of this variant cannot be determined with certainty at this time although we would lean towards a more pathogenic role for this variant. This variant is classified as likely pathogenic.

Literature cited by the submitters: PubMed 17314340 (cited by Labcorp Genetics (formerly Invitae), Labcorp); PubMed 25895478 (cited by Labcorp Genetics (formerly Invitae), Labcorp).

NM_001079866.2(BCS1L):c.349C>T (p.Arg117Ter)

Gene: BCS1L (BCS1 ubiquinol-cytochrome c reductase complex chaperone; plus strand). Cytogenetic location: 2q35.
Variant type: single nucleotide variant.
Coding change: c.349C>T on transcript NM_001079866.2 (MANE Select); coding-DNA position 349, C replaced by T.
Protein change: p.Arg117Ter; replaces arginine 117 with a stop codon.
Molecular consequence: nonsense. On other transcripts: 5 prime UTR variant (7), non-coding transcript variant (1), intron variant (1).
Genome position (GRCh38, 1-based): chr2:218,661,434, C>T. VCF-style: chr2-218661434-C-T. GRCh37 (hg19) VCF-style: chr2-219526157-C-T.
Other names: c.349C>T, p.Arg117Ter (NM_001257342.2, NM_001257343.2, NM_001257344.2 and 10 more transcripts); c.-12C>T (NM_001318836.2, NM_001371451.1); c.-128C>T (NM_001371453.1, NM_001371454.1, NM_001371455.1 and 2 more transcripts); c.-41-325C>T (NM_001371452.1); short protein forms R117*.
Identifiers: ClinVar variation 370387 (VCV000370387.12), dbSNP rs777735526, ClinGen allele CA2109652.